The following is an entry in ClinVar:

NM_004336.5(BUB1):c.6C>G (p.Asp2Glu)

Gene: BUB1 (BUB1 mitotic checkpoint serine/threonine kinase; minus strand). Cytogenetic location: 2q13.
Variant type: single nucleotide variant.
Coding change: c.6C>G on transcript NM_004336.5 (MANE Select); coding-DNA position 6, C replaced by G.
Protein change: p.Asp2Glu; replaces aspartic acid 2 with glutamic acid.
Molecular consequence: missense variant.
Genome position (GRCh38, 1-based): chr2:110,677,990, G>C on the plus strand (C>G on the coding strand, the complement: BUB1 is on the minus strand). VCF-style: chr2-110677990-G-C. GRCh37 (hg19) VCF-style: chr2-111435567-G-C.
Other names: c.6C>G, p.Asp2Glu (NM_001278616.2, NM_001278617.2); short protein forms D2E.
Identifiers: ClinVar variation 1756596 (VCV001756596.2), dbSNP rs2468045188, ClinGen allele CA348222958.
Genomic context (GRCh38, chr2:110,677,990, plus strand): 5'-AGCCCCCTGGGCTTCCCCACCCCACCAGACGGACACTTACTGAAGGACATTTTCCGGGGT[G>C]TCCATGGCCAGAGGACGCTGGCCGGCAGCGGCCAAACCTGAACCGCAAACTAGAAGCCGC-3'
Protein context (NP_004327.1, residues 1-12): M[Asp2Glu]TPENVLQMLE

ClinVar aggregate classification (germline): Uncertain significance (1 of 4 stars; one submission).

Submission:

Ambry Genetics
Classification: Uncertain significance. Last evaluated: 2022-04-26. Review status: criteria provided, single submitter. Criteria: Ambry Variant Classification Scheme 2023. Collection method: clinical testing. Allele origin: germline.
Comment: The p.D2E variant (also known as c.6C>G), located in coding exon 1 of the BUB1 gene, results from a C to G substitution at nucleotide position 6. The aspartic acid at codon 2 is replaced by glutamic acid, an amino acid with highly similar properties. This amino acid position is conserved. In addition, this alteration is predicted to be tolerated by in silico analysis. Since supporting evidence is limited at this time, the clinical significance of this alteration remains unclear.